The following is an entry in ClinVar:

ClinVar aggregate classification (germline): Likely benign. Review status: criteria provided, multiple submitters, no conflicts (2 of 4 stars). 2 submissions from 2 submitters: Likely benign (2). Last evaluated 2024-02-08.

Allele frequency attached by ClinVar (database versions not stated): gnomAD exomes 0.00001 and 0.00002; TOPMed 0.00001; ExAC 0.00003.
gnomAD v4.1: 6 of 1,210,937 alleles (0.0005%); highest among the groups gnomAD compares: East Asian, 0.015%; no homozygotes.

Submissions (2):

Labcorp Genetics (formerly Invitae), Labcorp
Classification: Likely benign. Last evaluated: 2024-02-08. Review status: criteria provided, single submitter. Criteria: Invitae Variant Classification Sherloc (09022015). Collection method: clinical testing. Allele origin: germline.

GeneDx
Classification: Likely benign. Last evaluated: 2017-07-24. Review status: criteria provided, single submitter. Criteria: GeneDx Variant Classification (06012015). Collection method: clinical testing. Allele origin: germline. Affected: yes.
Comment: This variant is considered likely benign or benign based on one or more of the following criteria: it is a conservative change, it occurs at a poorly conserved position in the protein, it is predicted to be benign by multiple in silico algorithms, and/or has population frequency not consistent with disease.

NM_033380.3(COL4A5):c.2395+4T>C

Gene: COL4A5 (collagen type IV alpha 5 chain; plus strand). Cytogenetic location: Xq22.3.
Variant type: single nucleotide variant.
Coding change: c.2395+4T>C on transcript NM_033380.3 (MANE Select); 4 bases into the intron after coding-DNA position 2395, T replaced by C.
Molecular consequence: intron variant.
Genome position (GRCh38, 1-based): chrX:108,606,896, T>C. VCF-style: chrX-108606896-T-C. GRCh37 (hg19) VCF-style: chrX-107850126-T-C.
Other names: c.2395+4T>C (NM_000495.5).
Identifiers: ClinVar variation 511150 (VCV000511150.8), dbSNP rs774352105, ClinGen allele CA10488900.